The following is an entry in ClinVar:

NM_001164760.2(PRKAR1B):c.520T>G (p.Phe174Val)

Genes: PRKAR1B (protein kinase cAMP-dependent type I regulatory subunit beta; minus strand), PRKAR1B-AS1 (PRKAR1B antisense RNA 1; plus strand). Cytogenetic location: 7p22.3.
Variant type: single nucleotide variant.
Coding change: c.520T>G on transcript NM_001164760.2 (MANE Select); coding-DNA position 520, T replaced by G.
Protein change: p.Phe174Val; replaces phenylalanine 174 with valine.
Molecular consequence: missense variant.
Genome position (GRCh38, 1-based): chr7:606,222, A>C on the plus strand (T>G on the coding strand, the complement: PRKAR1B is on the minus strand). VCF-style: chr7-606222-A-C. GRCh37 (hg19) VCF-style: chr7-645859-A-C.
Other names: c.520T>G, p.Phe174Val (NM_001164758.2, NM_001164759.1, NM_001164761.2 and 2 more transcripts); short protein forms F174V.
Identifiers: ClinVar variation 3365666 (VCV003365666.1).

ClinVar aggregate classification (germline): Uncertain significance (1 of 4 stars; one submission).

gnomAD v4.1: 1 of 1,613,976 alleles (0.000062%); highest among the groups gnomAD compares: Non-Finnish European, 0.000085%; no homozygotes.

Submission:

GeneDx
Classification: Uncertain significance. Last evaluated: 2023-12-12. Review status: criteria provided, single submitter. Criteria: GeneDx Variant Classification Process June 2021. Collection method: clinical testing. Allele origin: germline. Affected: yes.
Comment: Has not been previously published as pathogenic or benign to our knowledge; Not observed at significant frequency in large population cohorts (gnomAD); In silico analysis supports that this missense variant has a deleterious effect on protein structure/function